The following is an entry in ClinVar:

NM_017646.6(TRIT1):c.716G>A (p.Arg239His)

Gene: TRIT1 (tRNA isopentenyltransferase 1; minus strand). Cytogenetic location: 1p34.2.
Variant type: single nucleotide variant.
Coding change: c.716G>A on transcript NM_017646.6 (MANE Select); coding-DNA position 716, G replaced by A.
Protein change: p.Arg239His; replaces arginine 239 with histidine.
Molecular consequence: missense variant.
Genome position (GRCh38, 1-based): chr1:39,848,085, C>T on the plus strand (G>A on the coding strand, the complement: TRIT1 is on the minus strand). VCF-style: chr1-39848085-C-T. GRCh37 (hg19) VCF-style: chr1-40313757-C-T.
Other names: c.716G>A, p.Arg239His (NM_001312691.2); c.470G>A, p.Arg157His (NM_001312692.2); short protein forms R157H, R239H.
Identifiers: ClinVar variation 1300308 (VCV001300308.4), dbSNP rs145359484, ClinGen allele CA788019.

ClinVar aggregate classification (germline): Uncertain significance. Review status: criteria provided, multiple submitters, no conflicts (2 of 4 stars). 3 submissions from 3 submitters: Uncertain significance (3). Last evaluated 2025-07-28.

Allele frequency attached by ClinVar (database versions not stated): ExAC 0.00003; gnomAD exomes 0.00003; ESP Exome Variant Server 0.00008; TOPMed 0.00009; gnomAD 0.00010 and 0.00011.
gnomAD v4.1: 42 of 1,613,904 alleles (0.0026%); highest among the groups gnomAD compares: Non-Finnish European, 0.0031%; no homozygotes.

Submissions (3):

Labcorp Genetics (formerly Invitae), Labcorp
Classification: Uncertain significance. Last evaluated: 2025-07-28. Review status: criteria provided, single submitter. Criteria: Invitae Variant Classification Sherloc (09022015). Collection method: clinical testing. Allele origin: germline.
Comment: This sequence change replaces arginine, which is basic and polar, with histidine, which is basic and polar, at codon 239 of the TRIT1 protein (p.Arg239His). This variant is present in population databases (rs145359484, gnomAD 0.006%). This variant has not been reported in the literature in individuals affected with TRIT1-related conditions. ClinVar contains an entry for this variant (Variation ID: 1300308). Invitae Evidence Modeling of protein sequence and biophysical properties (such as structural, functional, and spatial information, amino acid conservation, physicochemical variation, residue mobility, and thermodynamic stability) indicates that this missense variant is expected to disrupt TRIT1 protein function with a positive predictive value of 80%. In summary, the available evidence is currently insufficient to determine the role of this variant in disease. Therefore, it has been classified as a Variant of Uncertain Significance.

GeneDx
Classification: Uncertain significance. Last evaluated: 2021-09-16. Review status: criteria provided, single submitter. Criteria: GeneDx Variant Classification Process June 2021. Collection method: clinical testing. Allele origin: germline. Affected: yes.
Comment: Not observed at significant frequency in large population cohorts (Lek et al., 2016); In silico analysis supports that this missense variant has a deleterious effect on protein structure/function; Has not been previously published as pathogenic or benign to our knowledge; In-silico analysis, which includes splice predictors and evolutionary conservation, is inconclusive as to whether the variant alters gene splicing. In the absence of RNA/functional studies, the actual effect of this sequence change is unknown.; This variant is associated with the following publications: (PMID: 27535533)

Breakthrough Genomics
Classification: Uncertain significance. Review status: criteria provided, single submitter. Criteria: ACMG Guidelines, 2015. Collection method: not provided. Allele origin: germline. Inheritance: Autosomal recessive inheritance. Affected: yes.